The following is an entry in ClinVar:

ClinVar aggregate classification (germline): Uncertain significance (1 of 4 stars; one submission).

Submission:

GeneDx
Classification: Uncertain significance. Last evaluated: 2023-04-19. Review status: criteria provided, single submitter. Criteria: GeneDx Variant Classification Process June 2021. Collection method: clinical testing. Allele origin: germline. Affected: yes.
Comment: In-frame deletion of 8 amino acids in a non-repeat region; In silico analysis supports a deleterious effect on protein structure/function; In silico analysis is inconclusive as to whether the variant alters gene splicing. In the absence of RNA/functional studies, the actual effect of this sequence change is unknown.; Has not been previously published as pathogenic or benign to our knowledge; Reported using an alternate transcript of the gene

NM_001005388.3(NFASC):c.2971_2994del (p.Thr991_Thr998del)

Gene: NFASC (neurofascin; plus strand). Cytogenetic location: 1q32.1.
Variant type: Deletion.
Coding change: c.2971_2994del on transcript NM_001005388.3 (MANE Select); coding-DNA positions 2971 to 2994, 24 bases deleted (ACGGAGAGTCCTCCCACCACCACC).
Protein change: p.Thr991_Thr998del.
Molecular consequence: inframe deletion. On other transcripts: intron variant (4).
Genome position (GRCh38, 1-based): chr1:204,997,358-204,997,381, ACGGAGAGTCCTCCCACCACCACC deleted; deleting any 24 consecutive bases within chr1:204,997,347-204,997,381 gives the same sequence; the c. name uses the placement nearest the transcript's 3' end. VCF-style (leftmost placement, unchanged base first): chr1-204997346-GCCACCACCACCACGGAGAGTCCTC-G. GRCh37 (hg19) VCF-style: chr1-204966474-GCCACCACCACCACGGAGAGTCCTC-G.
Other names: c.3292_3315del, p.Thr1098_Thr1105del (NM_001378329.1); c.3091+6052_3091+6075del (NM_001160332.2); c.3076+8552_3076+8575del (NM_015090.4); c.2755+8552_2755+8575del (NM_001365986.1); c.3136+6052_3136+6075del (NM_001160331.2).
Identifiers: ClinVar variation 2662175 (VCV002662175.1), dbSNP rs571142411, ClinGen allele CA1350576.